The following is an entry in ClinVar:

NM_014251.3(SLC25A13):c.1267G>T (p.Asp423Tyr)

Gene: SLC25A13 (solute carrier family 25 member 13; minus strand). Cytogenetic location: 7q21.3.
Variant type: single nucleotide variant.
Coding change: c.1267G>T on transcript NM_014251.3 (MANE Select); coding-DNA position 1267, G replaced by T.
Protein change: p.Asp423Tyr; replaces aspartic acid 423 with tyrosine.
Molecular consequence: missense variant. On other transcripts: non-coding transcript variant (1).
Genome position (GRCh38, 1-based): chr7:96,170,089, C>A on the plus strand (G>T on the coding strand, the complement: SLC25A13 is on the minus strand). VCF-style: chr7-96170089-C-A. GRCh37 (hg19) VCF-style: chr7-95799401-C-A.
Other names: c.1270G>T, p.Asp424Tyr (NM_001160210.2); short protein forms D423Y, D424Y.
Identifiers: ClinVar variation 4823676 (VCV004823676.4).

ClinVar aggregate classification (germline): Uncertain significance (1 of 4 stars; one submission).

Submission:

CeGaT Center for Human Genetics Tuebingen
Classification: Uncertain significance. Last evaluated: 2026-03-01. Review status: criteria provided, single submitter. Criteria: CeGaT Center For Human Genetics Tuebingen Variant Classification Criteria Version 2. Collection method: clinical testing. Allele origin: germline. Affected: yes. Observed: 1 variant allele.
Comment: SLC25A13: PM2